The following is an entry in ClinVar:

ClinVar aggregate classification (germline): Benign. Review status: criteria provided, multiple submitters, no conflicts (2 of 4 stars). 4 submissions from 4 submitters: Benign (3). 1 of the submissions does not count toward it. Last evaluated 2026-02-04.

Conditions:
FPR1 POLYMORPHISM.
Gingival disorder. Also called: Gingival disease. Identifiers: MedGen C0017563, MONDO:0002021.

Allele frequency attached by ClinVar (database versions not stated): gnomAD 0.12058 and 0.11833; 1000 Genomes Project 30x 0.12804; gnomAD exomes 0.12980 and 0.13268; TOPMed 0.11120; ESP Exome Variant Server 0.11302; ExAC 0.13460; 1000 Genomes Project 0.13578.
gnomAD v4.1: 208,395 of 1,613,846 alleles (13%); highest among the groups gnomAD compares: South Asian, 18%; 14,182 homozygotes.

Submissions (4):

Labcorp Genetics (formerly Invitae), Labcorp
Classification: Benign for Gingival disorder. Last evaluated: 2026-02-04. Review status: criteria provided, single submitter. Criteria: Invitae Variant Classification Sherloc (09022015). Collection method: clinical testing. Allele origin: germline.

GeneDx
Classification: Benign. Last evaluated: 2020-10-29. Review status: criteria provided, single submitter. Criteria: GeneDx Variant Classification Process June 2021. Collection method: clinical testing. Allele origin: germline. Affected: yes.
Comment: This variant is associated with the following publications: (PMID: 12595898)

Breakthrough Genomics
Classification: Benign. Review status: criteria provided, single submitter. Criteria: ACMG Guidelines, 2015. Collection method: not provided. Allele origin: germline. Inheritance: Unknown mechanism. Affected: yes.

OMIM
Classification: Benign for FPR1 POLYMORPHISM. Last evaluated: 2025-01-07. Review status: no assertion criteria provided. Collection method: literature only. Allele origin: germline. Not counted in ClinVar's aggregate classification.

Literature cited by the submitters: PubMed 31534221 (cited by OMIM).

NM_002029.4(FPR1):c.568A>T (p.Arg190Trp)

Gene: FPR1 (formyl peptide receptor 1; minus strand). Cytogenetic location: 19q13.41.
Variant type: single nucleotide variant.
Coding change: c.568A>T on transcript NM_002029.4 (MANE Select); coding-DNA position 568, A replaced by T.
Protein change: p.Arg190Trp; replaces arginine 190 with tryptophan.
Molecular consequence: missense variant.
Genome position (GRCh38, 1-based): chr19:51,746,427, T>A on the plus strand (A>T on the coding strand, the complement: FPR1 is on the minus strand). VCF-style: chr19-51746427-T-A. GRCh37 (hg19) VCF-style: chr19-52249680-T-A.
Other names: FPR1, ARG190TRP (rs5030880); c.568A>T, p.Arg190Trp (NM_001193306.2); short protein forms R190W.
Identifiers: ClinVar variation 834692 (VCV000834692.17), dbSNP rs5030880, ClinGen allele CA9616432.